The following is an entry in ClinVar:

ClinVar aggregate classification (germline): Benign. Review status: criteria provided, multiple submitters, no conflicts (2 of 4 stars). 11 submissions from 9 submitters: Benign (9). 2 of the submissions do not count toward it. Last evaluated 2026-02-04.

Conditions:
Bifunctional peroxisomal enzyme deficiency (DBIF). Also called: PBFE DEFICIENCY; D-bifunctional protein deficiency; DBP DEFICIENCY. Identifiers: Orphanet 300, MedGen C0342870, MONDO:0009855, OMIM 261515. Disease mechanism: loss of function.
Perrault syndrome. Also called: Gonadal dysgenesis with auditory dysfunction, autosomal recessive inheritance. Identifiers: Orphanet 2855, MedGen C0685838, MONDO:0017312.
Perrault syndrome 1 (PRLTS1). Also called: GONADAL DYSGENESIS, XX TYPE, WITH DEAFNESS; OVARIAN DYSGENESIS WITH SENSORINEURAL DEAFNESS. Identifiers: Orphanet 2855, Orphanet 642945, MedGen C4551721, MONDO:0009300, OMIM 233400.

Allele frequency attached by ClinVar (database versions not stated): gnomAD 0.14167 and 0.13537; gnomAD exomes 0.07960 and 0.08609; 1000 Genomes Project 0.13079; TOPMed 0.14485; ESP Exome Variant Server 0.15290; ExAC 0.08917; 1000 Genomes Project 30x 0.13819.
gnomAD v4.1: 136,848 of 1,610,606 alleles (8.5%); highest among the groups gnomAD compares: African/African-American, 30%; 7,951 homozygotes.

Submissions (11):

Labcorp Genetics (formerly Invitae), Labcorp
Classification: Benign for Perrault syndrome; Bifunctional peroxisomal enzyme deficiency. Last evaluated: 2026-02-04. Review status: criteria provided, single submitter. Criteria: Invitae Variant Classification Sherloc (09022015). Collection method: clinical testing. Allele origin: germline.

ARUP Laboratories, Molecular Genetics and Genomics, ARUP Laboratories
Classification: Benign. Last evaluated: 2025-06-12. Review status: criteria provided, single submitter. Criteria: ARUP Molecular Germline Variant Investigation Process 2024. Collection method: clinical testing. Allele origin: germline.

Genome-Nilou Lab
Classification: Benign for Perrault syndrome 1. Last evaluated: 2021-07-10. Review status: criteria provided, single submitter. Criteria: ACMG Guidelines, 2015. Collection method: clinical testing. Allele origin: germline. Affected: no.

Genome-Nilou Lab
Classification: Benign for Bifunctional peroxisomal enzyme deficiency. Last evaluated: 2021-07-10. Review status: criteria provided, single submitter. Criteria: ACMG Guidelines, 2015. Collection method: clinical testing. Allele origin: germline. Affected: no.

Illumina Laboratory Services, Illumina
Classification: Benign for Perrault syndrome 1. Last evaluated: 2018-01-13. Review status: criteria provided, single submitter. Criteria: ICSL Variant Classification Criteria 13 December 2019. Collection method: clinical testing. Allele origin: germline.
Comment: This variant was observed in the ICSL laboratory as part of a predisposition screen in an ostensibly healthy population. It had not been previously curated by ICSL or reported in the Human Gene Mutation Database (HGMD: prior to June 1st, 2018), and was therefore a candidate for classification through an automated scoring system. Utilizing variant allele frequency, disease prevalence and penetrance estimates, and inheritance mode, an automated score was calculated to assess if this variant is too frequent to cause the disease. Based on the score and internal cut-off values, a variant classified as benign is not then subjected to further curation. The score for this variant resulted in a classification of benign for this disease.

Illumina Laboratory Services, Illumina
Classification: Benign for Bifunctional peroxisomal enzyme deficiency. Last evaluated: 2018-01-13. Review status: criteria provided, single submitter. Criteria: ICSL Variant Classification Criteria 13 December 2019. Collection method: clinical testing. Allele origin: germline.
Comment: the same text as in the submission from Illumina Laboratory Services, Illumina above.

GeneDx
Classification: Benign. Last evaluated: 2017-05-09. Review status: criteria provided, single submitter. Criteria: GeneDx Variant Classification (06012015). Collection method: clinical testing. Allele origin: germline. Affected: yes.
Comment: This variant is considered likely benign or benign based on one or more of the following criteria: it is a conservative change, it occurs at a poorly conserved position in the protein, it is predicted to be benign by multiple in silico algorithms, and/or has population frequency not consistent with disease.

Laboratory for Molecular Medicine, Mass General Brigham Personalized Medicine
Classification: Benign. Last evaluated: 2014-11-24. Review status: criteria provided, single submitter. Criteria: LMM Criteria. Collection method: clinical testing. Allele origin: germline. Observed: 198 variant alleles.
Comment: Trp536Arg in exon 19 of HSD17B4: This variant is not expected to have clinical s ignificance because it has been identified in 30.1% (1324/4404) of African Ameri can chromosomes from a broad population by the NHLBI Exome Sequencing Project (dbSNP rs11539471).

PreventionGenetics, part of Exact Sciences
Classification: Benign. Review status: criteria provided, single submitter. Criteria: ACMG Guidelines, 2015. Collection method: clinical testing. Allele origin: germline.

Natera, Inc.
Classification: Benign for Bifunctional peroxisomal enzyme deficiency. Last evaluated: 2020-09-16. Review status: no assertion criteria provided. Collection method: clinical testing. Allele origin: germline. Not counted in ClinVar's aggregate classification.

Mayo Clinic Laboratories, Mayo Clinic
Classification: Benign. Last evaluated: 2015-10-23. Review status: no assertion criteria provided. Collection method: clinical testing. Allele origin: unknown. Not counted in ClinVar's aggregate classification.

NM_000414.4(HSD17B4):c.1531T>C (p.Trp511Arg)

Gene: HSD17B4 (hydroxysteroid 17-beta dehydrogenase 4; plus strand). Cytogenetic location: 5q23.1.
Variant type: single nucleotide variant.
Coding change: c.1531T>C on transcript NM_000414.4 (MANE Select); coding-DNA position 1531, T replaced by C.
Protein change: p.Trp511Arg; replaces tryptophan 511 with arginine.
Molecular consequence: missense variant. On other transcripts: non-coding transcript variant (2).
Genome position (GRCh38, 1-based): chr5:119,525,243, T>C. VCF-style: chr5-119525243-T-C. GRCh37 (hg19) VCF-style: chr5-118860938-T-C.
Other names: c.1606T>C, p.Trp536Arg (NM_001199291.3); c.1477T>C, p.Trp493Arg (NM_001199292.2); c.1459T>C, p.Trp487Arg (NM_001292027.2, NM_001374498.1); c.1111T>C, p.Trp371Arg (NM_001292028.2); c.1522T>C, p.Trp508Arg (NM_001374497.1); c.1204T>C, p.Trp402Arg (NM_001374499.1); c.1090T>C, p.Trp364Arg (NM_001374500.1); c.1120T>C, p.Trp374Arg (NM_001374501.1, NM_001374502.1, NM_001374503.1); short protein forms W511R, W536R, W493R, W371R, W487R, W374R, W508R, W402R.
Identifiers: ClinVar variation 226665 (VCV000226665.35), dbSNP rs11539471, ClinGen allele CA3382302.